The following is an entry in ClinVar:

ClinVar aggregate classification (germline): Pathogenic (1 of 4 stars; one submission).

Submission:

GeneDx
Classification: Pathogenic. Last evaluated: 2015-03-26. Review status: criteria provided, single submitter. Criteria: GeneDx Variant Classification (06012015). Collection method: clinical testing. Allele origin: germline. Affected: yes.
Comment: The c.4364_4365delAA variant is predicted to cause loss of normal proteinfunction through protein truncation mRNA decay. Although this variant has not been previously reported toour knowledge, we interpret it as pathogenic.

NM_001371623.1(TCOF1):c.4367_4368del (p.Lys1456fs)

Gene: TCOF1 (treacle ribosome biogenesis factor 1; plus strand). Cytogenetic location: 5q32.
Variant type: Deletion.
Coding change: c.4367_4368del on transcript NM_001371623.1 (MANE Select); coding-DNA positions 4367 to 4368, 2 bases deleted (AA; older notation c.4367_4368delAA).
Protein change: p.Lys1456fs; shifts the reading frame from lysine 1456.
Molecular consequence: frameshift variant.
Genome position (GRCh38, 1-based): chr5:150,398,375-150,398,376, AA deleted; deleting any 2 consecutive bases within chr5:150,398,369-150,398,376 gives the same sequence; the c. name uses the placement nearest the transcript's 3' end. VCF-style (leftmost placement, unchanged base first): chr5-150398368-GAA-G. GRCh37 (hg19) VCF-style: chr5-149777931-GAA-G.
Other names: c.4133_4134del, p.Lys1378fs (NM_000356.4); c.4364_4365del, p.Lys1455fs (NM_001135243.2); c.4253_4254del, p.Lys1418fs (NM_001135244.2); c.4136_4137del, p.Lys1379fs (NM_001135245.2); c.4250_4251del, p.Lys1417fs (NM_001195141.2); c.4364_4365delAA (NM_001135243.1); short protein forms K1378fs, K1379fs, K1417fs, K1418fs, K1455fs, K1456fs.
Identifiers: ClinVar variation 418795 (VCV000418795.2), dbSNP rs587776585, ClinGen allele CA16618144.